The following is an entry in ClinVar:

NM_003073.5(SMARCB1):c.559G>T (p.Val187Phe)

Gene: SMARCB1 (SWI/SNF related BAF chromatin remodeling complex subunit B1; plus strand). Cytogenetic location: 22q11.23.
Variant type: single nucleotide variant.
Coding change: c.559G>T on transcript NM_003073.5 (MANE Select); coding-DNA position 559, G replaced by T.
Protein change: p.Val187Phe; replaces valine 187 with phenylalanine.
Molecular consequence: missense variant.
Genome position (GRCh38, 1-based): chr22:23,803,353, G>T. VCF-style: chr22-23803353-G-T. GRCh37 (hg19) VCF-style: chr22-24145540-G-T.
Other names: c.559G>T (LRG_520t1); c.532G>T, p.Val178Phe (NM_001007468.3); c.586G>T, p.Val196Phe (NM_001317946.2); c.613G>T, p.Val205Phe (NM_001362877.2); short protein forms V187F, V205F, V178F, V196F.
Identifiers: ClinVar variation 580638 (VCV000580638.17), dbSNP rs1568943235, ClinGen allele CA410935770.

ClinVar aggregate classification (germline): Uncertain significance. Review status: criteria provided, multiple submitters, no conflicts (2 of 4 stars). 3 submissions from 3 submitters: Uncertain significance (3). Last evaluated 2026-07-30.

Conditions:
Hereditary cancer-predisposing syndrome. Also called: Neoplastic Syndromes, Hereditary; Hereditary Cancer Syndrome; Hereditary neoplastic syndrome; Tumor predisposition. Identifiers: Orphanet 140162, MedGen C0027672, MeSH D009386, MONDO:0015356.
Rhabdoid tumor predisposition syndrome 1 (RTPS1). Also called: Familial Posterior Fossa Brain Tumor of Infancy. Identifiers: Orphanet 231108, Orphanet 69077, MedGen C1836327, MONDO:0012252, OMIM 609322.
Schwannomatosis. Identifiers: Orphanet 93921, MedGen C1335929, MeSH C536641, MONDO:0008075.
Intellectual disability, autosomal dominant 15 (CSS3). Also called: COFFIN-SIRIS SYNDROME 3. Identifiers: Orphanet 1465, MedGen C3553248, MONDO:0013820, OMIM 614608.

Submissions (3):

Ambry Genetics
Classification: Uncertain significance for Hereditary cancer-predisposing syndrome. Last evaluated: 2026-07-30. Review status: criteria provided, single submitter. Criteria: Ambry Variant Classification Scheme 2023. Collection method: clinical testing. Allele origin: germline.
Comment: The p.V187F variant (also known as c.559G>T), located in coding exon 5 of the SMARCB1 gene, results from a G to T substitution at nucleotide position 559. This variant was reported in individual(s) with features consistent with SMARCB1-related tumor predisposition (Ambry internal data). The valine at codon 187 is replaced by phenylalanine, an amino acid with highly similar properties. This amino acid position is highly conserved in available vertebrate species. In addition, this alteration is predicted to be deleterious by in silico analysis. Based on the available evidence, the clinical significance of this variant remains unclear.

Labcorp Genetics (formerly Invitae), Labcorp
Classification: Uncertain significance. Last evaluated: 2025-01-24. Review status: criteria provided, single submitter. Criteria: Invitae Variant Classification Sherloc (09022015). Collection method: clinical testing. Allele origin: germline.
Comment: This sequence change replaces valine, which is neutral and non-polar, with phenylalanine, which is neutral and non-polar, at codon 187 of the SMARCB1 protein (p.Val187Phe). This variant is not present in population databases (gnomAD no frequency). This variant has not been reported in the literature in individuals affected with SMARCB1-related conditions. ClinVar contains an entry for this variant (Variation ID: 580638). Invitae Evidence Modeling of protein sequence and biophysical properties (such as structural, functional, and spatial information, amino acid conservation, physicochemical variation, residue mobility, and thermodynamic stability) indicates that this missense variant is expected to disrupt SMARCB1 protein function with a positive predictive value of 80%. In summary, the available evidence is currently insufficient to determine the role of this variant in disease. Therefore, it has been classified as a Variant of Uncertain Significance.

GeneDx
Classification: Uncertain significance. Last evaluated: 2019-08-06. Review status: criteria provided, single submitter. Criteria: GeneDx Variant Classification Process June 2021. Collection method: clinical testing. Allele origin: germline. Affected: yes.
Comment: Not observed in large population cohorts (Lek et al., 2016); In silico analysis, which includes protein predictors and evolutionary conservation, supports a deleterious effect; Has not been previously published as pathogenic or benign to our knowledge